The following is an entry in ClinVar:

ClinVar aggregate classification (germline): Uncertain significance. Review status: criteria provided, multiple submitters, no conflicts (2 of 4 stars). 3 submissions from 3 submitters: Uncertain significance (2). 1 of the submissions does not count toward it. Last evaluated 2022-12-23.

Conditions:
Congenital myasthenic syndrome (CMS). Also called: Congenital Myasthenic Syndromes. Identifiers: Orphanet 590, MedGen C0751882, MeSH D020294, MONDO:0018940.
Congenital myasthenic syndrome 4A. Also called: MYASTHENIC SYNDROME, CONGENITAL, 4A, SLOW-CHANNEL, AUTOSOMAL RECESSIVE; CONGENITAL MYASTHENIC SYNDROME TYPE Ia1; Myasthenic syndrome, congenital, 4a, slow-channel. Identifiers: Orphanet 590, MedGen C4225413, MONDO:0011600, OMIM 605809.

Submissions (3):

Athena Diagnostics
Classification: Uncertain significance. Last evaluated: 2022-12-23. Review status: criteria provided, single submitter. Criteria: Athena Diagnostics Criteria. Collection method: clinical testing. Allele origin: unknown.
Comment: Available data are insufficient to determine the clinical significance of the variant at this time. This variant has not been reported in large, multi-ethnic general populations. Computational tools predict that this variant is damaging. The variant is located in a region that is considered important for protein function and/or structure.

Labcorp Genetics (formerly Invitae), Labcorp
Classification: Uncertain significance for Congenital myasthenic syndrome 4A. Last evaluated: 2022-06-03. Review status: criteria provided, single submitter. Criteria: Invitae Variant Classification Sherloc (09022015). Collection method: clinical testing. Allele origin: germline.
Comment: This variant, c.384_389del, results in the deletion of 2 amino acid(s) of the CHRNE protein (p.Leu129_Val130del), but otherwise preserves the integrity of the reading frame. This variant is not present in population databases (gnomAD no frequency). This variant has not been reported in the literature in individuals affected with CHRNE-related conditions. ClinVar contains an entry for this variant (Variation ID: 447041). Experimental studies and prediction algorithms are not available or were not evaluated, and the functional significance of this variant is currently unknown. In summary, the available evidence is currently insufficient to determine the role of this variant in disease. Therefore, it has been classified as a Variant of Uncertain Significance.

Natera, Inc.
Classification: Uncertain significance for Congenital myasthenic syndrome. Last evaluated: 2020-11-08. Review status: no assertion criteria provided. Collection method: clinical testing. Allele origin: germline. Not counted in ClinVar's aggregate classification.

NM_000080.4(CHRNE):c.384_389del (p.Leu129_Val130del)

Genes: C17orf107 (chromosome 17 open reading frame 107; plus strand), CHRNE (cholinergic receptor nicotinic epsilon subunit; minus strand). Cytogenetic location: 17p13.2.
Variant type: Deletion.
Coding change: c.384_389del on transcript NM_000080.4 (MANE Select); coding-DNA positions 384 to 389, 6 bases deleted (GCTCGT; older notation c.384_389delGCTCGT).
Protein change: p.Leu129_Val130del.
Molecular consequence: inframe deletion. On other transcripts: 3 prime UTR variant (1).
Genome position (GRCh38, 1-based): chr17:4,902,043-4,902,048, ACGAGC deleted on the plus strand (GCTCGT on the coding strand, the reverse complement: CHRNE is on the minus strand); deleting any 6 consecutive bases within chr17:4,902,043-4,902,051 gives the same sequence; the c. name uses the placement nearest the transcript's 3' end. VCF-style (leftmost placement, unchanged base first): chr17-4902042-GACGAGC-G. GRCh37 (hg19) VCF-style: chr17-4805337-GACGAGC-G.
Other names: c.*1513_*1518del (NM_001145536.2).
Identifiers: ClinVar variation 447041 (VCV000447041.4), dbSNP rs1555546980, ClinGen allele CA658658528.